The following is an entry in ClinVar:

ClinVar aggregate classification (germline): Pathogenic (1 of 4 stars; one submission).

Conditions:
Autosomal recessive polycystic kidney disease (ARPKD). Also called: AR polycystic kidney disease. Identifiers: Orphanet 731, Orphanet 8378, MedGen C0085548, MeSH D017044, MONDO:0009889.

Submission:

Labcorp Genetics (formerly Invitae), Labcorp
Classification: Pathogenic for Autosomal recessive polycystic kidney disease. Last evaluated: 2023-10-18. Review status: criteria provided, single submitter. Criteria: Invitae Variant Classification Sherloc (09022015). Collection method: clinical testing. Allele origin: germline.
Comment: This sequence change creates a premature translational stop signal (p.Ser3812Thrfs*6) in the PKHD1 gene. It is expected to result in an absent or disrupted protein product. Loss-of-function variants in PKHD1 are known to be pathogenic (PMID: 19940839). This variant is not present in population databases (gnomAD no frequency). This variant has not been reported in the literature in individuals affected with PKHD1-related conditions. For these reasons, this variant has been classified as Pathogenic.

Literature cited by the submitters: PubMed 19940839.

NM_138694.4(PKHD1):c.11435_11441del (p.Ser3812fs)

Gene: PKHD1 (PKHD1 ciliary IPT domain containing fibrocystin/polyductin; minus strand). Cytogenetic location: 6p12.3.
Variant type: Deletion.
Coding change: c.11435_11441del on transcript NM_138694.4 (MANE Select); coding-DNA positions 11435 to 11441, 7 bases deleted (GCTTCTA; older notation c.11435_11441delGCTTCTA).
Protein change: p.Ser3812fs; shifts the reading frame from serine 3812.
Molecular consequence: frameshift variant.
Genome position (GRCh38, 1-based): chr6:51,638,914-51,638,920, TAGAAGC deleted on the plus strand (GCTTCTA on the coding strand, the reverse complement: PKHD1 is on the minus strand); deleting any 7 consecutive bases within chr6:51,638,914-51,638,922 gives the same sequence; the c. name uses the placement nearest the transcript's 3' end. VCF-style (leftmost placement, unchanged base first): chr6-51638913-GTAGAAGC-G. GRCh37 (hg19) VCF-style: chr6-51503711-GTAGAAGC-G.
Other names: short protein forms S3812fs.
Identifiers: ClinVar variation 2770024 (VCV002770024.3), dbSNP rs2533178789, ClinGen allele CA2697553449.